The following is an entry in ClinVar:

NM_182476.3(COQ6):c.449A>G (p.His150Arg)

Genes: COQ6 (coenzyme Q6, monooxygenase; plus strand), ENTPD5 (ectonucleoside triphosphate diphosphohydrolase 5; minus strand). Cytogenetic location: 14q24.3.
Variant type: single nucleotide variant.
Coding change: c.449A>G on transcript NM_182476.3 (MANE Select); coding-DNA position 449, A replaced by G.
Protein change: p.His150Arg; replaces histidine 150 with arginine.
Molecular consequence: missense variant. On other transcripts: intron variant (3).
Genome position (GRCh38, 1-based): chr14:73,955,896, A>G. VCF-style: chr14-73955896-A-G. GRCh37 (hg19) VCF-style: chr14-74422599-A-G.
Other names: p.His150Arg; c.449A>G, p.His150Arg (NM_001425255.1, NM_001425256.1); c.284A>G, p.His95Arg (NM_001425257.1); c.374A>G, p.His125Arg (NM_001425258.1, NM_182480.3); c.224A>G, p.His75Arg (NM_001425259.1, NM_001425260.1, NM_001425261.1); c.122A>G, p.His41Arg (NM_001425263.1); c.40A>G, p.Met14Val (NM_001425264.1, NM_001425265.1); c.357+387A>G (NM_001425262.1); and 2 more; short protein forms H125R, H150R.
Identifiers: ClinVar variation 1049547 (VCV001049547.10), dbSNP rs144880038, ClinGen allele CA7264173.
Genomic context (GRCh38, chr14:73,955,896, plus strand): 5'-TGTTTGATAAGGATAATTTAGATGACATGGGCTATATCGTGGAGAATGATGTCATCATGC[A>G]TGCTCTCACTAAGCAGTTGGAGGCTGTGTCTGGTGAGGCCCCCATCTTCCACCTTGCATT-3'
Protein context (NP_872282.1, residues 140-160): GYIVENDVIM[His150Arg]ALTKQLEAVS

ClinVar aggregate classification (germline): Conflicting classifications of pathogenicity. Review status: criteria provided, conflicting classifications (1 of 4 stars). 5 submissions from 5 submitters: Uncertain significance (1); Likely benign (2). 2 of the submissions do not count toward it. Last evaluated 2025-06-25.

Conditions:
COQ6-related disorder. Also called: COQ6-related condition.

Allele frequency attached by ClinVar (database versions not stated): 1000 Genomes Project 30x 0.00031; gnomAD 0.00039 and 0.00043; ESP Exome Variant Server 0.00077; ExAC 0.00055; gnomAD exomes 0.00060 and 0.00090; 1000 Genomes Project 0.00020; TOPMed 0.00041.
gnomAD v4.1: 1,375 of 1,614,166 alleles (0.085%); highest among the groups gnomAD compares: Middle Eastern, 0.21%; 3 homozygotes.

Submissions (5):

Mayo Clinic Laboratories, Mayo Clinic
Classification: Likely benign. Last evaluated: 2025-06-25. Review status: criteria provided, single submitter. Criteria: ACMG Guidelines, 2015. Collection method: clinical testing. Allele origin: germline. Observed: 2 variant alleles.
Comment: BS1, BP4_moderate

Labcorp Genetics (formerly Invitae), Labcorp
Classification: Uncertain significance. Last evaluated: 2022-10-17. Review status: criteria provided, single submitter. Criteria: Invitae Variant Classification Sherloc (09022015). Collection method: clinical testing. Allele origin: germline.
Comment: This sequence change replaces histidine, which is basic and polar, with arginine, which is basic and polar, at codon 150 of the COQ6 protein (p.His150Arg). This variant is present in population databases (rs144880038, gnomAD 0.1%), and has an allele count higher than expected for a pathogenic variant. This variant has not been reported in the literature in individuals affected with COQ6-related conditions. ClinVar contains an entry for this variant (Variation ID: 1049547). Advanced modeling of protein sequence and biophysical properties (such as structural, functional, and spatial information, amino acid conservation, physicochemical variation, residue mobility, and thermodynamic stability) performed at Invitae indicates that this missense variant is not expected to disrupt COQ6 protein function. In summary, the available evidence is currently insufficient to determine the role of this variant in disease. Therefore, it has been classified as a Variant of Uncertain Significance.

GeneDx
Classification: Likely benign. Last evaluated: 2020-04-29. Review status: criteria provided, single submitter. Criteria: GeneDx Variant Classification Process June 2021. Collection method: clinical testing. Allele origin: germline. Affected: yes.

PreventionGenetics, part of Exact Sciences
Classification: Likely benign for COQ6-related condition. Last evaluated: 2022-02-14. Review status: no assertion criteria provided. Collection method: clinical testing. Allele origin: germline. Not counted in ClinVar's aggregate classification.
Comment: This variant is classified as likely benign based on ACMG/AMP sequence variant interpretation guidelines (Richards et al. 2015 PMID: 25741868, with internal and published modifications).

Department of Pathology and Laboratory Medicine, Sinai Health System
Classification: Uncertain significance. Review status: no assertion criteria provided. Collection method: clinical testing. Allele origin: unknown. Affected: yes. Study: The Canadian Open Genetics Repository (COGR). Not counted in ClinVar's aggregate classification.
Comment: The COQ6 p.His125Arg variant was not identified in the literature nor was it identified in ClinVar or LOVD 3.0. The variant was identified in dbSNP (ID: rs144880038) and in control databases in 165 of 282876 chromosomes at a frequency of 0.0005833 increasing the likelihood this could be a low frequency benign variant (Genome Aggregation Database March 6, 2019, v2.1.1). The variant was observed in the following populations: South Asian in 46 of 30616 chromosomes (freq: 0.001502), European (non-Finnish) in 101 of 129200 chromosomes (freq: 0.000782), Other in 4 of 7224 chromosomes (freq: 0.000554), Latino in 6 of 35440 chromosomes (freq: 0.000169), African in 3 of 24972 chromosomes (freq: 0.00012), European (Finnish) in 3 of 25102 chromosomes (freq: 0.00012) and East Asian in 2 of 19952 chromosomes (freq: 0.0001), but was not observed in the Ashkenazi Jewish population. The p.His125 residue is not conserved in mammals and computational analyses (PolyPhen-2, SIFT, AlignGVGD, BLOSUM, MutationTaster) do not suggest a high likelihood of impact to the protein; however, this information is not predictive enough to rule out pathogenicity. The variant occurs outside of the splicing consensus sequence and in silico or computational prediction software programs (SpliceSiteFinder, MaxEntScan, NNSPLICE, GeneSplicer) do not predict a difference in splicing. In summary, based on the above information the clinical significance of this variant cannot be determined with certainty at this time. This variant is classified as a variant of uncertain significance.